The following is an entry in ClinVar:

NM_000051.4(ATM):c.331+2T>G

Gene: ATM (ATM serine/threonine kinase; plus strand). Cytogenetic location: 11q22.3.
Variant type: single nucleotide variant.
Coding change: c.331+2T>G on transcript NM_000051.4 (MANE Select); the canonical splice donor site of the intron after coding-DNA position 331, T replaced by G.
Molecular consequence: splice donor variant. On other transcripts: missense variant (2).
Genome position (GRCh38, 1-based): chr11:108,229,325, T>G. VCF-style: chr11-108229325-T-G. GRCh37 (hg19) VCF-style: chr11-108100052-T-G.
Other names: c.333T>G, p.Ser111Arg (NM_001351835.2, NM_001351836.2); c.331+2T>G (NM_001351834.2); short protein forms S111R.
Identifiers: ClinVar variation 453460 (VCV000453460.10), dbSNP rs1555055358, ClinGen allele CA382521846.
Genomic context (GRCh38, chr11:108,229,325, plus strand): 5'-GAAAAAGATGCAGGAAATCAGTAGTTTGGTCAAATACTTCATCAAATGTGCAAACAGAAG[T>G]AAGTGATGTTATAAATTATAAATAAATGGCTTAACAGATTACTGTCGCGTGAGTTTTTTT-3'

ClinVar aggregate classification (germline): Pathogenic. Review status: criteria provided, multiple submitters, no conflicts (2 of 4 stars). 2 submissions from 2 submitters: Pathogenic (2). Last evaluated 2025-03-04.

Conditions:
Ataxia-telangiectasia syndrome (AT). Also called: Cerebello-oculocutaneous telangiectasia; Immunodeficiency with ataxia telangiectasia; Ataxia-telangiectasia, complementation group D; AT, COMPLEMENTATION GROUP C; Ataxia-telangiectasia, complementation group E; LOUIS-BAR SYNDROME. Identifiers: Orphanet 100, MedGen C0004135, MONDO:0008840, OMIM 208900.

Submissions (2):

Center for Genomic Medicine, Rigshospitalet, Copenhagen University Hospital
Classification: Pathogenic. Last evaluated: 2025-03-04. Review status: criteria provided, single submitter. Criteria: ACMG Guidelines, 2015. Collection method: clinical testing. Allele origin: germline.

Labcorp Genetics (formerly Invitae), Labcorp
Classification: Pathogenic for Ataxia-telangiectasia syndrome. Last evaluated: 2023-03-21. Review status: criteria provided, single submitter. Criteria: Invitae Variant Classification Sherloc (09022015). Collection method: clinical testing. Allele origin: germline.
Comment: This sequence change affects a donor splice site in intron 4 of the ATM gene. It is expected to disrupt RNA splicing. Variants that disrupt the donor or acceptor splice site typically lead to a loss of protein function (PMID: 16199547), and loss-of-function variants in ATM are known to be pathogenic (PMID: 23807571, 25614872). This variant is not present in population databases (gnomAD no frequency). Disruption of this splice site has been observed in individual(s) with ataxia-telangiectasia (PMID: 17910737, 31921190). In at least one individual the data is consistent with being in trans (on the opposite chromosome) from a pathogenic variant. ClinVar contains an entry for this variant (Variation ID: 453460). Algorithms developed to predict the effect of sequence changes on RNA splicing suggest that this variant may disrupt the consensus splice site. For these reasons, this variant has been classified as Pathogenic.

Literature cited by the submitters: PubMed 31214711 (cited by Center for Genomic Medicine, Rigshospitalet, Copenhagen University Hospital); PubMed 17910737 (cited by Center for Genomic Medicine, Rigshospitalet, Copenhagen University Hospital and Labcorp Genetics (formerly Invitae), Labcorp); PubMed 16199547 (cited by Labcorp Genetics (formerly Invitae), Labcorp); PubMed 23807571 (cited by Labcorp Genetics (formerly Invitae), Labcorp); PubMed 25614872 (cited by Labcorp Genetics (formerly Invitae), Labcorp); PubMed 31921190 (cited by Labcorp Genetics (formerly Invitae), Labcorp).